The following is an entry in ClinVar:

ClinVar aggregate classification (germline): Uncertain significance (1 of 4 stars; one submission).

Conditions:
Facioscapulohumeral muscular dystrophy 2 (FSHD2). Also called: MUSCULAR DYSTROPHY, FACIOSCAPULOHUMERAL, TYPE 1B; FACIOSCAPULOHUMERAL MUSCULAR DYSTROPHY 2, DIGENIC; FSHD2, DIGENIC. Identifiers: Orphanet 269, MedGen C1834671, MONDO:0008031, OMIM 158901.

gnomAD v4.1: 1 of 1,613,180 alleles (0.000062%); highest among the groups gnomAD compares: Non-Finnish European, 0.000085%; no homozygotes.

Submission:

Labcorp Genetics (formerly Invitae), Labcorp
Classification: Uncertain significance for Facioscapulohumeral muscular dystrophy 2. Last evaluated: 2025-02-10. Review status: criteria provided, single submitter. Criteria: Invitae Variant Classification Sherloc (09022015). Collection method: clinical testing. Allele origin: germline.
Comment: This sequence change replaces valine, which is neutral and non-polar, with methionine, which is neutral and non-polar, at codon 1021 of the SMCHD1 protein (p.Val1021Met). This variant is not present in population databases (gnomAD no frequency). This variant has not been reported in the literature in individuals affected with SMCHD1-related conditions. Invitae Evidence Modeling of protein sequence and biophysical properties (such as structural, functional, and spatial information, amino acid conservation, physicochemical variation, residue mobility, and thermodynamic stability) indicates that this missense variant is not expected to disrupt SMCHD1 protein function with a negative predictive value of 80%. In summary, the available evidence is currently insufficient to determine the role of this variant in disease. Therefore, it has been classified as a Variant of Uncertain Significance.

NM_015295.3(SMCHD1):c.3061G>A (p.Val1021Met)

Gene: SMCHD1 (structural maintenance of chromosomes flexible hinge domain containing 1; plus strand). Cytogenetic location: 18p11.32.
Variant type: single nucleotide variant.
Coding change: c.3061G>A on transcript NM_015295.3 (MANE Select); coding-DNA position 3061, G replaced by A.
Protein change: p.Val1021Met; replaces valine 1021 with methionine.
Molecular consequence: missense variant.
Genome position (GRCh38, 1-based): chr18:2,732,277, G>A. VCF-style: chr18-2732277-G-A. GRCh37 (hg19) VCF-style: chr18-2732275-G-A.
Other names: short protein forms V1021M.
Identifiers: ClinVar variation 4690860 (VCV004690860.1).
Genomic context (GRCh38, chr18:2,732,277, plus strand): 5'-ATTTCAGTACAGATATCACTCAGTGTTTGTGTTTTCTTCTCTTTCTAGAGTTGTAAAGAT[G>A]TGGCACCTGTGGAGAAGACTATTAAGTTGCTTCCCAGTAGCCATGTTGCAAGACTACAAA-3'
Protein context (NP_056110.2, residues 1011-1031): ARIEIPSCKD[Val1021Met]APVEKTIKLL